The following is an entry in ClinVar:

ClinVar aggregate classification (germline): Conflicting classifications of pathogenicity. Review status: criteria provided, conflicting classifications (1 of 4 stars). 2 submissions from 2 submitters: Uncertain significance (1); Likely benign (1). Last evaluated 2026-05-22.

Conditions:
STKLD1-related disorder. Also called: STKLD1-related condition.

Allele frequency attached by ClinVar (database versions not stated): ExAC 0.00015; gnomAD 0.00015; gnomAD exomes 0.00020; ESP Exome Variant Server 0.00023.
gnomAD v4.1: 313 of 1,613,660 alleles (0.019%); highest among the groups gnomAD compares: Non-Finnish European, 0.019%; no homozygotes.

Submissions (2):

PreventionGenetics, part of Exact Sciences
Classification: Likely benign for STKLD1-related condition. Last evaluated: 2026-05-22. Review status: criteria provided, single submitter. Criteria: ACMG Guidelines, 2015. Collection method: clinical testing. Allele origin: germline.
Comment: This variant is classified as likely benign based on ACMG/AMP sequence variant interpretation guidelines (Richards et al. 2015 PMID: 25741868, with internal and published modifications).

Ambry Genetics
Classification: Uncertain significance. Last evaluated: 2023-12-16. Review status: criteria provided, single submitter. Criteria: Ambry Variant Classification Scheme 2023. Collection method: clinical testing. Allele origin: germline.

NM_153710.5(STKLD1):c.1511C>T (p.Pro504Leu)

Gene: STKLD1 (serine/threonine kinase like domain containing 1; plus strand). Cytogenetic location: 9q34.2.
Variant type: single nucleotide variant.
Coding change: c.1511C>T on transcript NM_153710.5 (MANE Select); coding-DNA position 1511, C replaced by T.
Protein change: p.Pro504Leu; replaces proline 504 with leucine.
Molecular consequence: missense variant. On other transcripts: non-coding transcript variant (1).
Genome position (GRCh38, 1-based): chr9:133,403,736, C>T. VCF-style: chr9-133403736-C-T. GRCh37 (hg19) VCF-style: chr9-136268860-C-T.
Other names: c.1511C>T (NM_153710.4); short protein forms P504L.
Identifiers: ClinVar variation 3171440 (VCV003171440.2), dbSNP rs147923253, ClinGen allele CA200868234.